The following is an entry in ClinVar:

NM_001007228.2(SPOP):c.399C>G (p.Phe133Leu)

Gene: SPOP (speckle type BTB/POZ protein; minus strand). Cytogenetic location: 17q21.33.
Variant type: single nucleotide variant.
Coding change: c.399C>G on transcript NM_001007228.2 (MANE Select); coding-DNA position 399, C replaced by G.
Protein change: p.Phe133Leu; replaces phenylalanine 133 with leucine.
Molecular consequence: missense variant.
Genome position (GRCh38, 1-based): chr17:49,619,062, G>C on the plus strand (C>G on the coding strand, the complement: SPOP is on the minus strand). VCF-style: chr17-49619062-G-C. GRCh37 (hg19) VCF-style: chr17-47696424-G-C.
Other names: c.399C>G, p.Phe133Leu (NM_001007226.1, NM_001007227.1, NM_001007229.1 and 5 more transcripts); short protein forms F133L.
Identifiers: ClinVar variation 161487 (VCV000161487.2), dbSNP rs193921065, ClinGen allele CA214526.

ClinVar aggregate classification (germline): Uncertain significance (0 of 4 stars; one submission).

Conditions:
Prostate cancer. Also called: Malignant tumor of prostate. Identifiers: Orphanet 1331, MedGen C0376358, MONDO:0008315, HP:0012125.

Allele frequency attached by ClinVar (database versions not stated): gnomAD exomes below 0.00001.
gnomAD v4.1: 1 of 1,614,086 alleles (0.000062%); no homozygotes.

Submission:

Science for Life laboratory,  Karolinska Institutet
Classification: Uncertain significance for Malignant tumor of prostate. Review status: no assertion criteria provided. Collection method: not provided. Allele origin: somatic.
Comment: TumorID:SWE-90A
ClinVar note: Converted during submission from Unknown to Uncertain significance.